The following is an entry in ClinVar:

ClinVar aggregate classification (germline): Uncertain significance (1 of 4 stars; one submission).

Conditions:
Cardiovascular phenotype. Identifiers: MedGen CN230736.

Allele frequency attached by ClinVar (database versions not stated): TOPMed below 0.00001.

Submission:

Ambry Genetics
Classification: Uncertain significance for Cardiovascular phenotype. Last evaluated: 2023-09-15. Review status: criteria provided, single submitter. Criteria: Ambry Variant Classification Scheme 2023. Collection method: clinical testing. Allele origin: germline.
Comment: The p.F247C variant (also known as c.740T>G), located in coding exon 5 of the FKTN gene, results from a T to G substitution at nucleotide position 740. The phenylalanine at codon 247 is replaced by cysteine, an amino acid with highly dissimilar properties. This amino acid position is conserved. In addition, this alteration is predicted to be deleterious by in silico analysis. Since supporting evidence is limited at this time, the clinical significance of this alteration remains unclear.

NM_001079802.2(FKTN):c.740T>G (p.Phe247Cys)

Gene: FKTN (fukutin; plus strand). Cytogenetic location: 9q31.2.
Variant type: single nucleotide variant.
Coding change: c.740T>G on transcript NM_001079802.2 (MANE Select); coding-DNA position 740, T replaced by G.
Protein change: p.Phe247Cys; replaces phenylalanine 247 with cysteine.
Molecular consequence: missense variant. On other transcripts: non-coding transcript variant (2).
Genome position (GRCh38, 1-based): chr9:105,607,911, T>G. VCF-style: chr9-105607911-T-G. GRCh37 (hg19) VCF-style: chr9-108370192-T-G.
Other names: c.740T>G, p.Phe247Cys (NM_001198963.2, NM_001351496.2, NM_001351498.2 and 1 more transcripts); c.671T>G, p.Phe224Cys (NM_001351497.2); c.344T>G, p.Phe115Cys (NM_001351499.2, NM_001351500.2, NM_001351501.2 and 1 more transcripts); short protein forms F115C, F224C, F247C.
Identifiers: ClinVar variation 3232623 (VCV003232623.1), dbSNP rs1829196649, ClinGen allele CA374332655.
Genomic context (GRCh38, chr9:105,607,911, plus strand): 5'-TGGAAGTTCTCATTCCAAAGGATCCAATGCACTTTGTAGAAGAAGTACCACACTCTAGGT[T>G]TATTGAGTGTAGGTATAAAGAAGCTCGAGCATTCTTTCAGGTTAGAGACAACCAAATGTG-3'
Protein context (NP_001073270.1, residues 237-257): HFVEEVPHSR[Phe247Cys]IECRYKEARA